The following is an entry in ClinVar:

ClinVar aggregate classification (germline): Likely benign (0 of 4 stars; one submission).

Conditions:
SYNRG-related disorder. Also called: SYNRG-related condition.

Allele frequency attached by ClinVar (database versions not stated): ExAC 0.00031; 1000 Genomes Project 30x 0.00078; 1000 Genomes Project 0.00080.
gnomAD v4.1: 233 of 1,614,180 alleles (0.014%); highest among the groups gnomAD compares: South Asian, 0.17%; 3 homozygotes.

Submission:

PreventionGenetics, part of Exact Sciences
Classification: Likely benign for SYNRG-related condition. Last evaluated: 2022-02-28. Review status: no assertion criteria provided. Collection method: clinical testing. Allele origin: germline.
Comment: This variant is classified as likely benign based on ACMG/AMP sequence variant interpretation guidelines (Richards et al. 2015 PMID: 25741868, with internal and published modifications).

NM_007247.6(SYNRG):c.1216C>A (p.Pro406Thr)

Gene: SYNRG (synergin gamma; minus strand). Cytogenetic location: 17q12.
Variant type: single nucleotide variant.
Coding change: c.1216C>A on transcript NM_007247.6 (MANE Select); coding-DNA position 1216, C replaced by A.
Protein change: p.Pro406Thr; replaces proline 406 with threonine.
Molecular consequence: missense variant. On other transcripts: intron variant (1).
Genome position (GRCh38, 1-based): chr17:37,570,768, G>T on the plus strand (C>A on the coding strand, the complement: SYNRG is on the minus strand). VCF-style: chr17-37570768-G-T. GRCh37 (hg19) VCF-style: chr17-35930867-G-T.
Other names: c.982C>A, p.Pro328Thr (NM_001163544.3, NM_001163546.3, NM_080550.5 and 1 more transcripts); c.979C>A, p.Pro327Thr (NM_001163545.3); c.1519C>A, p.Pro507Thr (NM_001405103.1); c.352C>A, p.Pro118Thr (NM_080551.1); c.864+1023C>A (NM_001163547.3); short protein forms P118T, P327T, P328T, P406T, P507T.
Identifiers: ClinVar variation 3055051 (VCV003055051.2), dbSNP rs557937693, ClinGen allele CA8517688.